The following is an entry in ClinVar:

ClinVar aggregate classification (germline): Uncertain significance (1 of 4 stars; one submission).

Allele frequency attached by ClinVar (database versions not stated): ExAC 0.00001; gnomAD 0.00001; TOPMed 0.00002.
gnomAD v4.1: 2 of 1,613,776 alleles (0.00012%); highest among the groups gnomAD compares: African/African-American, 0.0027%; no homozygotes.

Submission:

Labcorp Genetics (formerly Invitae), Labcorp
Classification: Uncertain significance. Last evaluated: 2022-05-20. Review status: criteria provided, single submitter. Criteria: Invitae Variant Classification Sherloc (09022015). Collection method: clinical testing. Allele origin: germline.
Comment: In summary, the available evidence is currently insufficient to determine the role of this variant in disease. Therefore, it has been classified as a Variant of Uncertain Significance. Algorithms developed to predict the effect of missense changes on protein structure and function are either unavailable or do not agree on the potential impact of this missense change (SIFT: "Tolerated"; PolyPhen-2: "Not Available"; Align-GVGD: "Class C0"). This variant has not been reported in the literature in individuals affected with PCLO-related conditions. This variant is present in population databases (rs766670927, gnomAD 0.008%). This sequence change replaces glutamine, which is neutral and polar, with proline, which is neutral and non-polar, at codon 1399 of the PCLO protein (p.Gln1399Pro).

NM_033026.6(PCLO):c.4196A>C (p.Gln1399Pro)

Gene: PCLO (piccolo presynaptic cytomatrix protein; minus strand). Cytogenetic location: 7q21.11.
Variant type: single nucleotide variant.
Coding change: c.4196A>C on transcript NM_033026.6 (MANE Select); coding-DNA position 4196, A replaced by C.
Protein change: p.Gln1399Pro; replaces glutamine 1399 with proline.
Molecular consequence: missense variant.
Genome position (GRCh38, 1-based): chr7:82,956,757, T>G on the plus strand (A>C on the coding strand, the complement: PCLO is on the minus strand). VCF-style: chr7-82956757-T-G. GRCh37 (hg19) VCF-style: chr7-82586073-T-G.
Other names: c.4196A>C, p.Gln1399Pro (NM_014510.3); short protein forms Q1399P.
Identifiers: ClinVar variation 2179583 (VCV002179583.3), dbSNP rs766670927, ClinGen allele CA4320871.